The following is an entry in ClinVar:

ClinVar aggregate classification (germline): Likely benign (1 of 4 stars; one submission).

Conditions:
Lysosomal acid lipase deficiency. Also called: Acid cholesteryl ester hydrolase deficiency, type 2. Identifiers: Orphanet 275761, MedGen C5574740, MONDO:0800449, MONDO:0010204.

Allele frequency attached by ClinVar (database versions not stated): gnomAD 0.00341 and 0.00320; TOPMed 0.00334; 1000 Genomes Project 30x 0.00344; 1000 Genomes Project 0.00379.

Submission:

Illumina Laboratory Services, Illumina
Classification: Likely benign for Cholesteryl ester storage disease. Last evaluated: 2018-01-13. Review status: criteria provided, single submitter. Criteria: ICSL Variant Classification Criteria 13 December 2019. Collection method: clinical testing. Allele origin: germline.
Comment: This variant was observed in the ICSL laboratory as part of a predisposition screen in an ostensibly healthy population. It had not been previously curated by ICSL or reported in the Human Gene Mutation Database (HGMD: prior to June 1st, 2018), and was therefore a candidate for classification through an automated scoring system. Utilizing variant allele frequency, disease prevalence and penetrance estimates, and inheritance mode, an automated score was calculated to assess if this variant is too frequent to cause the disease. Based on the score and internal cut-off values, a variant classified as likely benign is not then subjected to further curation. The score for this variant resulted in a classification of likely benign for this disease.

NM_000235.4(LIPA):c.*876C>G

Gene: LIPA (lipase A, lysosomal acid type; minus strand). Cytogenetic location: 10q23.31.
Variant type: single nucleotide variant.
Coding change: c.*876C>G on transcript NM_000235.4 (MANE Select); 876 bases downstream of the stop codon, C replaced by G.
Molecular consequence: 3 prime UTR variant.
Genome position (GRCh38, 1-based): chr10:89,213,952, G>C on the plus strand (C>G on the coding strand, the complement: LIPA is on the minus strand). VCF-style: chr10-89213952-G-C. GRCh37 (hg19) VCF-style: chr10-90973709-G-C.
Other names: c.*876C>G (NM_001127605.3, NM_001288979.2).
Identifiers: ClinVar variation 301556 (VCV000301556.7), dbSNP rs141445686, ClinGen allele CA10632832.